The following is an entry in ClinVar:

ClinVar aggregate classification (germline): Uncertain significance (1 of 4 stars; one submission).

Conditions:
Nephronophthisis 18 (NPHP18). Identifiers: Orphanet 655, MedGen C3890591, MONDO:0014374, OMIM 615862.

Allele frequency attached by ClinVar (database versions not stated): gnomAD exomes 0.00001 and 0.00002; gnomAD 0.00002 and 0.00003; TOPMed 0.00002; ExAC 0.00003; ESP Exome Variant Server 0.00009; 1000 Genomes Project 30x 0.00016; 1000 Genomes Project 0.00020.
gnomAD v4.1: 14 of 1,502,964 alleles (0.00093%); highest among the groups gnomAD compares: South Asian, 0.0044%; no homozygotes.

Submission:

Labcorp Genetics (formerly Invitae), Labcorp
Classification: Uncertain significance for Nephronophthisis 18. Last evaluated: 2024-02-24. Review status: criteria provided, single submitter. Criteria: Invitae Variant Classification Sherloc (09022015). Collection method: clinical testing. Allele origin: germline.
Comment: This sequence change replaces arginine, which is basic and polar, with cysteine, which is neutral and slightly polar, at codon 152 of the CEP83 protein (p.Arg152Cys). The frequency data for this variant in the population databases is considered unreliable, as metrics indicate poor data quality at this position in the gnomAD database. This variant has not been reported in the literature in individuals affected with CEP83-related conditions. ClinVar contains an entry for this variant (Variation ID: 965565). Advanced modeling of protein sequence and biophysical properties (such as structural, functional, and spatial information, amino acid conservation, physicochemical variation, residue mobility, and thermodynamic stability) performed at Invitae indicates that this missense variant is expected to disrupt CEP83 protein function with a positive predictive value of 80%. In summary, the available evidence is currently insufficient to determine the role of this variant in disease. Therefore, it has been classified as a Variant of Uncertain Significance.

NM_016122.3(CEP83):c.454C>T (p.Arg152Cys)

Gene: CEP83 (centrosomal protein 83; minus strand). Cytogenetic location: 12q22.
Variant type: single nucleotide variant.
Coding change: c.454C>T on transcript NM_016122.3 (MANE Select); coding-DNA position 454, C replaced by T.
Protein change: p.Arg152Cys; replaces arginine 152 with cysteine.
Molecular consequence: missense variant. On other transcripts: non-coding transcript variant (3), intron variant (2).
Genome position (GRCh38, 1-based): chr12:94,400,945, G>A on the plus strand (C>T on the coding strand, the complement: CEP83 is on the minus strand). VCF-style: chr12-94400945-G-A. GRCh37 (hg19) VCF-style: chr12-94794721-G-A.
Other names: c.454C>T, p.Arg152Cys (NM_001042399.2, NM_001346457.2, NM_001346460.2 and 3 more transcripts); c.142C>T, p.Arg48Cys (NM_001346458.2, NM_001346459.2, NM_001346462.2 and 2 more transcripts); c.324+10752C>T (NM_001368041.1); c.12+10752C>T (NM_001368042.1); short protein forms R152C, R48C.
Identifiers: ClinVar variation 965565 (VCV000965565.7), dbSNP rs377256366, ClinGen allele CA6721935.